The following is an entry in ClinVar:

ClinVar aggregate classification (germline): Uncertain significance (1 of 4 stars; one submission).

Allele frequency attached by ClinVar (database versions not stated): gnomAD 0.00001.
gnomAD v4.1: 1 of 1,614,098 alleles (0.000062%); highest among the groups gnomAD compares: African/African-American, 0.0013%; no homozygotes.

Submission:

Labcorp Genetics (formerly Invitae), Labcorp
Classification: Uncertain significance. Last evaluated: 2022-10-18. Review status: criteria provided, single submitter. Criteria: Invitae Variant Classification Sherloc (09022015). Collection method: clinical testing. Allele origin: germline.
Comment: This sequence change affects a donor splice site in intron 11 of the MICAL1 gene. It is expected to disrupt RNA splicing. Variants that disrupt the donor or acceptor splice site typically lead to a loss of protein function (PMID: 16199547), however the current clinical and genetic evidence is not sufficient to establish whether loss-of-function variants in MICAL1 cause disease. This variant is not present in population databases (gnomAD no frequency). This variant has not been reported in the literature in individuals affected with MICAL1-related conditions. Algorithms developed to predict the effect of sequence changes on RNA splicing suggest that this variant may disrupt the consensus splice site. In summary, the available evidence is currently insufficient to determine the role of this variant in disease. Therefore, it has been classified as a Variant of Uncertain Significance.

Literature cited by the submitters: PubMed 16199547.

NM_022765.4(MICAL1):c.1516+1G>C

Gene: MICAL1 (microtubule associated monooxygenase, calponin and LIM domain containing 1; minus strand). Cytogenetic location: 6q21.
Variant type: single nucleotide variant.
Coding change: c.1516+1G>C on transcript NM_022765.4 (MANE Select); the canonical splice donor site of the intron after coding-DNA position 1516, G replaced by C.
Molecular consequence: splice donor variant.
Genome position (GRCh38, 1-based): chr6:109,449,399, C>G on the plus strand (G>C on the coding strand, the complement: MICAL1 is on the minus strand). VCF-style: chr6-109449399-C-G. GRCh37 (hg19) VCF-style: chr6-109770602-C-G.
Other names: c.1573+1G>C (NM_001286613.2); c.1258+1G>C (NM_001159291.2).
Identifiers: ClinVar variation 1949778 (VCV001949778.5), dbSNP rs775836919, ClinGen allele CA365229608.